The following is an entry in ClinVar:

NM_144701.3(IL23R):c.782C>A (p.Thr261Lys)

Gene: IL23R (interleukin 23 receptor; plus strand). Cytogenetic location: 1p31.3.
Variant type: single nucleotide variant.
Coding change: c.782C>A on transcript NM_144701.3 (MANE Select); coding-DNA position 782, C replaced by A.
Protein change: p.Thr261Lys; replaces threonine 261 with lysine.
Molecular consequence: missense variant.
Genome position (GRCh38, 1-based): chr1:67,207,039, C>A. VCF-style: chr1-67207039-C-A. GRCh37 (hg19) VCF-style: chr1-67672722-C-A.
Other names: short protein forms T261K.
Identifiers: ClinVar variation 2819498 (VCV002819498.3), dbSNP rs774474216, ClinGen allele CA899811.

ClinVar aggregate classification (germline): Uncertain significance (1 of 4 stars; one submission).

Allele frequency attached by ClinVar (database versions not stated): gnomAD exomes below 0.00001; TOPMed below 0.00001; ExAC 0.00002.
gnomAD v4.1: 3 of 1,614,012 alleles (0.00019%); highest among the groups gnomAD compares: East Asian, 0.0067%; no homozygotes.

Submission:

Labcorp Genetics (formerly Invitae), Labcorp
Classification: Uncertain significance. Last evaluated: 2023-03-14. Review status: criteria provided, single submitter. Criteria: Invitae Variant Classification Sherloc (09022015). Collection method: clinical testing. Allele origin: germline.
Comment: This variant is present in population databases (rs774474216, gnomAD 0.02%). In summary, the available evidence is currently insufficient to determine the role of this variant in disease. Therefore, it has been classified as a Variant of Uncertain Significance. Algorithms developed to predict the effect of sequence changes on RNA splicing suggest that this variant may disrupt the consensus splice site. An algorithm developed to predict the effect of missense changes on protein structure and function (PolyPhen-2) suggests that this variant is likely to be tolerated. This variant has not been reported in the literature in individuals affected with IL23R-related conditions. This sequence change replaces threonine, which is neutral and polar, with lysine, which is basic and polar, at codon 261 of the IL23R protein (p.Thr261Lys).